The following is an entry in ClinVar:

ClinVar aggregate classification (germline): Uncertain significance. Review status: criteria provided, single submitter (1 of 4 stars). 2 submissions from 2 submitters: Uncertain significance (1). 1 of the submissions does not count toward it. Last evaluated 2025-12-13.

Conditions:
RECQL4-related disorder. Also called: RECQL4-related disorders; RECQL4-related condition.
Baller-Gerold syndrome (BGS). Also called: CRANIOSYNOSTOSIS WITH RADIAL DEFECTS. Identifiers: Orphanet 1225, MedGen C0265308, MONDO:0009039, OMIM 218600.

Allele frequency attached by ClinVar (database versions not stated): TOPMed 0.00005; ESP Exome Variant Server 0.00008; gnomAD 0.00008 and 0.00009; gnomAD exomes 0.00009; ExAC 0.00010.

Submissions (2):

Labcorp Genetics (formerly Invitae), Labcorp
Classification: Uncertain significance for Baller-Gerold syndrome. Last evaluated: 2025-12-13. Review status: criteria provided, single submitter. Criteria: Invitae Variant Classification Sherloc (09022015). Collection method: clinical testing. Allele origin: germline.
Comment: This sequence change replaces valine, which is neutral and non-polar, with isoleucine, which is neutral and non-polar, at codon 574 of the RECQL4 protein (p.Val574Ile). This variant is present in population databases (rs368983561, gnomAD 0.02%). This variant has not been reported in the literature in individuals affected with RECQL4-related conditions. ClinVar contains an entry for this variant (Variation ID: 529036). Invitae Evidence Modeling of protein sequence and biophysical properties (such as structural, functional, and spatial information, amino acid conservation, physicochemical variation, residue mobility, and thermodynamic stability) indicates that this missense variant is not expected to disrupt RECQL4 protein function with a negative predictive value of 80%. In summary, the available evidence is currently insufficient to determine the role of this variant in disease. Therefore, it has been classified as a Variant of Uncertain Significance.

PreventionGenetics, part of Exact Sciences
Classification: Uncertain significance for RECQL4-related condition. Last evaluated: 2024-08-06. Review status: no assertion criteria provided. Collection method: clinical testing. Allele origin: germline. Not counted in ClinVar's aggregate classification.
Comment: The RECQL4 c.1720G>A variant is predicted to result in the amino acid substitution p.Val574Ile. To our knowledge, this variant has not been reported in the literature. This variant is reported in 0.016% of alleles in individuals of European (Non-Finnish) descent in gnomAD. At this time, the clinical significance of this variant is uncertain due to the absence of conclusive functional and genetic evidence.

NM_004260.4(RECQL4):c.1720G>A (p.Val574Ile)

Gene: RECQL4 (RecQ like helicase 4; minus strand). Cytogenetic location: 8q24.3.
Variant type: single nucleotide variant.
Coding change: c.1720G>A on transcript NM_004260.4 (MANE Select); coding-DNA position 1720, G replaced by A.
Protein change: p.Val574Ile; replaces valine 574 with isoleucine.
Molecular consequence: missense variant.
Genome position (GRCh38, 1-based): chr8:144,514,347, C>T on the plus strand (G>A on the coding strand, the complement: RECQL4 is on the minus strand). VCF-style: chr8-144514347-C-T. GRCh37 (hg19) VCF-style: chr8-145739731-C-T.
Other names: short protein forms V574I.
Identifiers: ClinVar variation 529036 (VCV000529036.9), dbSNP rs368983561, ClinGen allele CA4948678.